The following is an entry in ClinVar:

ClinVar aggregate classification (germline): Benign (1 of 4 stars; one submission).

Conditions:
Chondrodysplasia with joint dislocations, gPAPP type. Also called: GPAPP DEFICIENCY. Identifiers: Orphanet 280586, MedGen C3279757, MONDO:0013561, OMIM 614078.

Allele frequency attached by ClinVar (database versions not stated): gnomAD exomes 0.00060; gnomAD 0.00559 and 0.00591; TOPMed 0.00603; 1000 Genomes Project 0.00699; 1000 Genomes Project 30x 0.00796.
gnomAD v4.1: 1,278 of 838,342 alleles (0.15%); highest among the groups gnomAD compares: African/African-American, 1.8%; 14 homozygotes.

Submission:

Illumina Laboratory Services, Illumina
Classification: Benign for Chondrodysplasia with joint dislocations, gPAPP type. Last evaluated: 2018-01-12. Review status: criteria provided, single submitter. Criteria: ICSL Variant Classification Criteria 13 December 2019. Collection method: clinical testing. Allele origin: germline.
Comment: This variant was observed in the ICSL laboratory as part of a predisposition screen in an ostensibly healthy population. It had not been previously curated by ICSL or reported in the Human Gene Mutation Database (HGMD: prior to June 1st, 2018), and was therefore a candidate for classification through an automated scoring system. Utilizing variant allele frequency, disease prevalence and penetrance estimates, and inheritance mode, an automated score was calculated to assess if this variant is too frequent to cause the disease. Based on the score and internal cut-off values, a variant classified as benign is not then subjected to further curation. The score for this variant resulted in a classification of benign for this disease.

NM_017813.5(BPNT2):c.*147C>T

Gene: BPNT2 (3'(2'), 5'-bisphosphate nucleotidase 2; minus strand). Cytogenetic location: 8q12.1.
Variant type: single nucleotide variant.
Coding change: c.*147C>T on transcript NM_017813.5 (MANE Select); 147 bases downstream of the stop codon, C replaced by T.
Molecular consequence: 3 prime UTR variant.
Genome position (GRCh38, 1-based): chr8:56,963,646, G>A on the plus strand (C>T on the coding strand, the complement: BPNT2 is on the minus strand). VCF-style: chr8-56963646-G-A. GRCh37 (hg19) VCF-style: chr8-57876205-G-A.
Identifiers: ClinVar variation 363399 (VCV000363399.5), dbSNP rs138038024, ClinGen allele CA10631372.